The following is an entry in ClinVar:

NM_004336.5(BUB1):c.1120G>T (p.Val374Leu)

Gene: BUB1 (BUB1 mitotic checkpoint serine/threonine kinase; minus strand). Cytogenetic location: 2q13.
Variant type: single nucleotide variant.
Coding change: c.1120G>T on transcript NM_004336.5 (MANE Select); coding-DNA position 1120, G replaced by T.
Protein change: p.Val374Leu; replaces valine 374 with leucine.
Molecular consequence: missense variant.
Genome position (GRCh38, 1-based): chr2:110,661,679, C>A on the plus strand (G>T on the coding strand, the complement: BUB1 is on the minus strand). VCF-style: chr2-110661679-C-A. GRCh37 (hg19) VCF-style: chr2-111419256-C-A.
Other names: c.1060G>T, p.Val354Leu (NM_001278616.2); c.1120G>T, p.Val374Leu (NM_001278617.2); short protein forms V354L, V374L.
Identifiers: ClinVar variation 3223986 (VCV003223986.1), dbSNP rs2468017403, ClinGen allele CA348214370.
Genomic context (GRCh38, chr2:110,661,679, plus strand): 5'-TTACTGTCTGGGCTTTCAAAGGAACAGGAGGAGCAATGCTCTGGCTGGTGGCTGGGGACA[C>A]CAAAGCTGCAGAAATAGCATTTGCCAAAGGAGGAACAACAGGAGGTGCCTCTCTTGGGTT-3'
Protein context (NP_004327.1, residues 364-384): PLANAISAAL[Val374Leu]SPATSQSIAP

ClinVar aggregate classification (germline): Uncertain significance (1 of 4 stars; one submission).

Allele frequency attached by ClinVar (database versions not stated): gnomAD exomes below 0.00001.

Submission:

Ambry Genetics
Classification: Uncertain significance. Last evaluated: 2024-03-09. Review status: criteria provided, single submitter. Criteria: Ambry Variant Classification Scheme 2023. Collection method: clinical testing. Allele origin: germline.
Comment: The p.V374L variant (also known as c.1120G>T), located in coding exon 10 of the BUB1 gene, results from a G to T substitution at nucleotide position 1120. The valine at codon 374 is replaced by leucine, an amino acid with highly similar properties. This amino acid position is conserved. In addition, this alteration is predicted to be tolerated by in silico analysis. Based on the available evidence, the clinical significance of this alteration remains unclear.